The following is an entry in ClinVar:

ClinVar aggregate classification (germline): Conflicting classifications of pathogenicity. Review status: criteria provided, conflicting classifications (1 of 4 stars). 3 submissions from 3 submitters: Uncertain significance (2); Benign (1). Last evaluated 2024-10-06.

Conditions:
Tuberous sclerosis 2 (TSC2). Identifiers: Orphanet 805, MedGen C1860707, MONDO:0013199, OMIM 613254.
Hereditary cancer-predisposing syndrome. Also called: Hereditary neoplastic syndrome; Tumor predisposition; Neoplastic Syndromes, Hereditary; Hereditary Cancer Syndrome. Identifiers: Orphanet 140162, MedGen C0027672, MeSH D009386, MONDO:0015356.

Allele frequency attached by ClinVar (database versions not stated): gnomAD exomes below 0.00001.
gnomAD v4.1: 2 of 1,613,110 alleles (0.00012%); highest among the groups gnomAD compares: South Asian, 0.0011%; no homozygotes.

Submissions (3):

Labcorp Genetics (formerly Invitae), Labcorp
Classification: Benign for Tuberous sclerosis 2. Last evaluated: 2024-10-06. Review status: criteria provided, single submitter. Criteria: Invitae Variant Classification Sherloc (09022015). Collection method: clinical testing. Allele origin: germline.

Ambry Genetics
Classification: Uncertain significance for Hereditary cancer-predisposing syndrome. Last evaluated: 2023-12-07. Review status: criteria provided, single submitter. Criteria: Ambry Variant Classification Scheme 2023. Collection method: clinical testing. Allele origin: germline.
Comment: The p.A866V variant (also known as c.2597C>T), located in coding exon 22 of the TSC2 gene, results from a C to T substitution at nucleotide position 2597. The alanine at codon 866 is replaced by valine, an amino acid with similar properties. This amino acid position is conserved. In addition, the in silico prediction for this alteration is inconclusive. Since supporting evidence is limited at this time, the clinical significance of this alteration remains unclear.

Revvity Omics, Revvity
Classification: Uncertain significance for Tuberous sclerosis 2. Last evaluated: 2019-09-13. Review status: criteria provided, single submitter. Criteria: ACMG Guidelines, 2015. Collection method: clinical testing. Allele origin: germline.

NM_000548.5(TSC2):c.2597C>T (p.Ala866Val)

Gene: TSC2 (TSC complex subunit 2; plus strand). Cytogenetic location: 16p13.3.
Variant type: single nucleotide variant.
Coding change: c.2597C>T on transcript NM_000548.5 (MANE Select); coding-DNA position 2597, C replaced by T.
Protein change: p.Ala866Val; replaces alanine 866 with valine.
Molecular consequence: missense variant.
Genome position (GRCh38, 1-based): chr16:2,075,850, C>T. VCF-style: chr16-2075850-C-T. GRCh37 (hg19) VCF-style: chr16-2125851-C-T.
Other names: c.2450C>T, p.Ala817Val (NM_001406679.1, NM_001318829.2, NM_001406675.1 and 1 more transcripts); c.1997C>T, p.Ala666Val (NM_001406680.1, NM_001406682.1, NM_001406683.1 and 6 more transcripts); c.2135C>T, p.Ala712Val (NM_001406681.1); c.2597C>T, p.Ala866Val (NM_001077183.3, NM_001114382.3, NM_001363528.2 and 6 more transcripts); c.2486C>T, p.Ala829Val (NM_001318827.2, NM_001406670.1, NM_001406678.1); c.2630C>T, p.Ala877Val (NM_001318832.2); c.2687C>T, p.Ala896Val (NM_001406667.1, NM_001406668.1); c.2585C>T, p.Ala862Val (NM_001406671.1, NM_001406673.1); and 3 more; short protein forms A332V, A418V, A666V, A712V, A817V, A829V, A847V, A862V.
Identifiers: ClinVar variation 2437382 (VCV002437382.6), dbSNP rs1261601321, ClinGen allele CA394278406.
Genomic context (GRCh38, chr16:2,075,850, plus strand): 5'-TTACCGCAGCTCTGGCCAGGCTGCCGCACCTCTACAGGAACTTTGCCGCGGAGCAGTATG[C>T]CAGTGTGTTCGCCATCTCCCTGCCGTACACCAACCCCTCCAAGTGAGTGGTCGCCCCAGG-3'
Protein context (NP_000539.2, residues 856-876): LYRNFAAEQY[Ala866Val]SVFAISLPYT